The following is an entry in ClinVar:

ClinVar aggregate classification (germline): Uncertain significance. Review status: criteria provided, multiple submitters, no conflicts (2 of 4 stars). 4 submissions from 4 submitters: Uncertain significance (4). Last evaluated 2026-07-07.

Conditions:
Cardiovascular phenotype. Identifiers: MedGen CN230736.
Arrhythmogenic right ventricular dysplasia 2. Identifiers: MedGen C1832931.
Catecholaminergic polymorphic ventricular tachycardia 1. Also called: VENTRICULAR TACHYCARDIA, CATECHOLAMINERGIC POLYMORPHIC, 1, WITH OR WITHOUT ATRIAL DYSFUNCTION AND/OR DILATED CARDIOMYOPATHY; RYR2-Related Catecholaminergic Polymorphic Ventricular Tachycardia; VENTRICULAR TACHYCARDIA, STRESS-INDUCED POLYMORPHIC 1. Identifiers: Orphanet 3286, MedGen C1631597, MONDO:0011484, OMIM 604772.
Catecholaminergic polymorphic ventricular tachycardia (CVPT). Also called: Catecholamine-induced polymorphic ventricular tachycardia. Identifiers: Orphanet 3286, MedGen C5574922, MONDO:0017990.

Allele frequency attached by ClinVar (database versions not stated): gnomAD exomes below 0.00001.
gnomAD v4.1: 5 of 1,614,052 alleles (0.00031%); highest among the groups gnomAD compares: Non-Finnish European, 0.00034%; no homozygotes.

Submissions (4):

Ambry Genetics
Classification: Uncertain significance for Cardiovascular phenotype. Last evaluated: 2026-07-07. Review status: criteria provided, single submitter. Criteria: Ambry Variant Classification Scheme 2023. Collection method: clinical testing. Allele origin: germline.
Comment: The p.D1862G variant (also known as c.5585A>G), located in coding exon 37 of the RYR2 gene, results from an A to G substitution at nucleotide position 5585. The aspartic acid at codon 1862 is replaced by glycine, an amino acid with similar properties. This amino acid position is conserved. In addition, this alteration is predicted to be tolerated by in silico analysis. Based on the available evidence, the clinical significance of this variant remains unclear.

All of Us Research Program, National Institutes of Health
Classification: Uncertain significance for Catecholaminergic polymorphic ventricular tachycardia. Last evaluated: 2023-06-27. Review status: criteria provided, single submitter. Criteria: ACMG Guidelines, 2015. Collection method: clinical testing. Allele origin: germline. Inheritance: Autosomal dominant inheritance. Observed: 1 variant allele, 1 heterozygote.
Comment: This study involves interpretation of variants in research participants for the purpose of population health screening. Participant phenotype was not available at the time of variant classification. Additional details can be found in publication PMID: 35346344, PMCID: PMC8962531

Fulgent Genetics
Classification: Uncertain significance for Catecholaminergic polymorphic ventricular tachycardia 1. Last evaluated: 2018-10-31. Review status: criteria provided, single submitter. Criteria: ACMG Guidelines, 2015. Collection method: clinical testing. Allele origin: unknown.

MVZ Martinsried, Medicover Genetics
Classification: Uncertain significance for Catecholaminergic polymorphic ventricular tachycardia 1. Last evaluated: 2017-07-06. Review status: criteria provided, single submitter. Criteria: ACMG Guidelines, 2015. Collection method: clinical testing. Allele origin: unknown. Affected: yes.

NM_001035.3(RYR2):c.5585A>G (p.Asp1862Gly)

Gene: RYR2 (ryanodine receptor 2; plus strand). Cytogenetic location: 1q43.
Variant type: single nucleotide variant.
Coding change: c.5585A>G on transcript NM_001035.3 (MANE Select); coding-DNA position 5585, A replaced by G.
Protein change: p.Asp1862Gly; replaces aspartic acid 1862 with glycine.
Molecular consequence: missense variant.
Genome position (GRCh38, 1-based): chr1:237,614,713, A>G. VCF-style: chr1-237614713-A-G. GRCh37 (hg19) VCF-style: chr1-237778013-A-G.
Other names: c.5585A>G, p.Asp1862Gly (LRG_402t1); short protein forms D1862G.
Identifiers: ClinVar variation 560682 (VCV000560682.4), dbSNP rs1559117209, ClinGen allele CA345405348.